The following is an entry in ClinVar:

NM_001111125.3(IQSEC2):c.4433del (p.Lys1478fs)

Gene: IQSEC2 (IQ motif and Sec7 domain ArfGEF 2; minus strand). Cytogenetic location: Xp11.22.
Variant type: Deletion.
Coding change: c.4433del on transcript NM_001111125.3 (MANE Select); coding-DNA position 4433, one base deleted (A; older notation c.4433delA).
Protein change: p.Lys1478fs; shifts the reading frame from lysine 1478.
Molecular consequence: frameshift variant. On other transcripts: 3 prime UTR variant (2).
Genome position (GRCh38, 1-based): chrX:53,234,253, T deleted on the plus strand (A on the coding strand, the reverse complement: IQSEC2 is on the minus strand); the first of 2 consecutive T bases (chrX:53,234,253-53,234,254); deleting either gives the same sequence. VCF-style (leftmost placement, unchanged base first): chrX-53234252-CT-C. GRCh37 (hg19) VCF-style: chrX-53263434-CT-C.
Other names: c.*918del (NM_001410736.1, NM_015075.2); short protein forms K1478fs.
Identifiers: ClinVar variation 2663104 (VCV002663104.1), dbSNP rs2519664772, ClinGen allele CA2579614417.

ClinVar aggregate classification (germline): Uncertain significance (1 of 4 stars; one submission).

Submission:

GeneDx
Classification: Uncertain significance. Last evaluated: 2023-05-07. Review status: criteria provided, single submitter. Criteria: GeneDx Variant Classification Process June 2021. Collection method: clinical testing. Allele origin: germline. Affected: yes.
Comment: Not observed at significant frequency in large population cohorts (gnomAD); Frameshift variant predicted to result in protein extension as the last 11 amino acids are replaced with 16 different amino acids; Has not been previously published as pathogenic or benign to our knowledge